The following is an entry in ClinVar:

ClinVar aggregate classification (germline): Pathogenic (1 of 4 stars; one submission).

Allele frequency attached by ClinVar (database versions not stated): gnomAD exomes below 0.00001; ExAC 0.00001; gnomAD 0.00001; TOPMed 0.00001.

Submission:

Labcorp Genetics (formerly Invitae), Labcorp
Classification: Pathogenic. Last evaluated: 2022-06-27. Review status: criteria provided, single submitter. Criteria: Invitae Variant Classification Sherloc (09022015). Collection method: clinical testing. Allele origin: germline.
Comment: For these reasons, this variant has been classified as Pathogenic. This variant has not been reported in the literature in individuals affected with SCLT1-related conditions. This variant is present in population databases (rs761385206, gnomAD 0.01%). This sequence change creates a premature translational stop signal (p.Glu222Asnfs*12) in the SCLT1 gene. It is expected to result in an absent or disrupted protein product. Loss-of-function variants in SCLT1 are known to be pathogenic (PMID: 28005958).

Literature cited by the submitters: PubMed 28005958.

NM_144643.4(SCLT1):c.664del (p.Glu222fs)

Gene: SCLT1 (sodium channel and clathrin linker 1; minus strand). Cytogenetic location: 4q28.2.
Variant type: Deletion.
Coding change: c.664del on transcript NM_144643.4 (MANE Select); coding-DNA position 664, one base deleted (G; older notation c.664delG).
Protein change: p.Glu222fs; shifts the reading frame from glutamic acid 222.
Molecular consequence: frameshift variant.
Genome position (GRCh38, 1-based): chr4:128,992,189, C deleted on the plus strand (G on the coding strand, the reverse complement: SCLT1 is on the minus strand). VCF-style (leftmost placement, unchanged base first): chr4-128992188-TC-T. GRCh37 (hg19) VCF-style: chr4-129913343-TC-T.
Other names: short protein forms E222fs.
Identifiers: ClinVar variation 1457156 (VCV001457156.6), dbSNP rs761385206, ClinGen allele CA3079854.